The following is an entry in ClinVar:

ClinVar aggregate classification (germline): Benign (1 of 4 stars; one submission).

Submission:

CeGaT Center for Human Genetics Tuebingen
Classification: Benign. Last evaluated: 2026-08-01. Review status: criteria provided, single submitter. Criteria: CeGaT Center For Human Genetics Tuebingen Variant Classification Criteria Version 2. Collection method: clinical testing. Allele origin: germline. Affected: yes. Observed: 3 variant alleles.
Comment: CWC27: BS1, BS2

NM_005869.4(CWC27):c.938+3212_938+3213dup

Gene: CWC27 (CWC27 spliceosome associated cyclophilin; plus strand). Cytogenetic location: 5q12.3.
Variant type: Duplication.
Coding change: c.938+3212_938+3213dup on transcript NM_005869.4 (MANE Select); bases 3212 to 3213 of the intron after coding-DNA position 938, 2 bases duplicated (GC; older notation c.938+3212_938+3213dupGC).
Molecular consequence: intron variant. On other transcripts: splice acceptor variant (1).
Genome position (GRCh38, 1-based): chr5:64,807,598-64,807,599, GC duplicated. VCF-style (leftmost placement, unchanged base first): chr5-64807597-A-AGC. GRCh37 (hg19) VCF-style: chr5-64103424-A-AGC.
Other names: c.938+3212_938+3213dup (NM_001297644.1, NM_001364478.1, NM_001318000.2); c.939-1_939dup (NM_001297645.2).
Identifiers: ClinVar variation 3388218 (VCV003388218.14).